The following is an entry in ClinVar:

NM_001379110.1(SLC9A6):c.*4T>C

Gene: SLC9A6 (solute carrier family 9 member A6; plus strand). Cytogenetic location: Xq26.3.
Variant type: single nucleotide variant.
Coding change: c.*4T>C on transcript NM_001379110.1 (MANE Select); 4 bases downstream of the stop codon, T replaced by C.
Molecular consequence: 3 prime UTR variant.
Genome position (GRCh38, 1-based): chrX:136,044,728, T>C. VCF-style: chrX-136044728-T-C. GRCh37 (hg19) VCF-style: chrX-135126887-T-C.
Other names: c.*4T>C (NM_001042537.2, NM_001177651.2, NM_001330652.2 and 6 more transcripts).
Identifiers: ClinVar variation 2661498 (VCV002661498.24), dbSNP rs2521487124, ClinGen allele CA2579709958.
Genomic context (GRCh38, chrX:136,044,728, plus strand): 5'-GATGATTCTGAACCCCCGCTAAATTTGTTAGATAATACGAGACATGGTCCAGCCTAAGCT[T>C]ACTAATACTCACTTAGTGATTTGTAAAATTTGCACATGTGATTGTGAAGAAATTTGTACT-3'

ClinVar aggregate classification (germline): Uncertain significance (1 of 4 stars; one submission).

Allele frequency attached by ClinVar (database versions not stated): gnomAD exomes below 0.00001.
gnomAD v4.1: 4 of 1,209,361 alleles (0.00033%); highest among the groups gnomAD compares: Non-Finnish European, 0.00045%; no homozygotes.

Submission:

CeGaT Center for Human Genetics Tuebingen
Classification: Uncertain significance. Last evaluated: 2022-04-01. Review status: criteria provided, single submitter. Criteria: CeGaT Center For Human Genetics Tuebingen Variant Classification Criteria Version 2. Collection method: clinical testing. Allele origin: germline. Affected: yes. Observed: 1 variant allele.
Comment: SLC9A6: PM2